The following is an entry in ClinVar:

NM_000051.4(ATM):c.7886_7890del (p.Ile2629fs)

Genes: ATM (ATM serine/threonine kinase; plus strand), C11orf65 (chromosome 11 open reading frame 65; minus strand). Cytogenetic location: 11q22.3.
Variant type: Microsatellite.
Coding change: c.7886_7890del on transcript NM_000051.4 (MANE Select); coding-DNA positions 7886 to 7890, 5 bases deleted (TATTA; older notation c.7886_7890delTATTA).
Protein change: p.Ile2629fs; shifts the reading frame from isoleucine 2629.
Molecular consequence: frameshift variant. On other transcripts: intron variant (2).
Genome position (GRCh38, 1-based): chr11:108,332,859-108,332,863, TATTA deleted; deleting any 5 consecutive bases within chr11:108,332,851-108,332,863 gives the same sequence; the c. name uses the placement nearest the transcript's 3' end. VCF-style (leftmost placement, unchanged base first): chr11-108332850-CTTATA-C. GRCh37 (hg19) VCF-style: chr11-108203577-CTTATA-C.
Other names: 7883del5; c.7883_7887delTTATA (NM_000051.3); c.7886_7890del, p.Ile2629fs (NM_001351834.2); c.641-23784_641-23780del (NM_001330368.2); c.*38+2365_*38+2369del (NM_001351110.2); c.7886_7890delTATTA (NM_000051.3); c.7886_7890del (NM_000051.3); short protein forms I2629fs.
Identifiers: ClinVar variation 230200 (VCV000230200.94), dbSNP rs1450394308, ClinGen allele CA252539.

ClinVar aggregate classification (germline): Pathogenic/Likely pathogenic. Review status: criteria provided, multiple submitters, no conflicts (2 of 4 stars). 24 submissions from 24 submitters: Pathogenic (17); Likely pathogenic (2). 5 of the submissions do not count toward it. Last evaluated 2026-01-26.

Conditions:
Gastric cancer. Also called: Malignant tumor of stomach; Stomach cancer. Identifiers: MedGen C0024623, MeSH D013274, MONDO:0001056, OMIM 613659, HP:0012126.
Hereditary cancer-predisposing syndrome. Also called: Neoplastic Syndromes, Hereditary; Hereditary neoplastic syndrome; Tumor predisposition; Hereditary Cancer Syndrome. Identifiers: Orphanet 140162, MedGen C0027672, MeSH D009386, MONDO:0015356.
ATM-related disorder. Also called: ATM-related disorders; ATM-related condition.
ATM-related cancer predisposition. Also called: ATM-related cancer susceptibility. Identifiers: MedGen CN377759, MONDO:0700270.
Familial cancer of breast. Also called: hereditary breast carcinoma; Hereditary breast cancer; BREAST CANCER, FAMILIAL. Identifiers: Orphanet 227535, MedGen C0346153, MONDO:0016419, OMIM 114480. Disease mechanism: loss of function.
Ataxia-telangiectasia syndrome (AT). Also called: Ataxia telangiectasia (A-T); Cerebello-oculocutaneous telangiectasia; Immunodeficiency with ataxia telangiectasia; LOUIS-BAR SYNDROME; AT, COMPLEMENTATION GROUP C; ATAXIA-TELANGIECTASIA, FRESNO VARIANT. Identifiers: Orphanet 100, MedGen C0004135, MONDO:0008840, OMIM 208900.
Hereditary breast ovarian cancer syndrome. Also called: BRCA1- and BRCA2-Associated Hereditary Breast and Ovarian Cancer; Hereditary breast and/or ovarian cancer syndrome; Hereditary breast and ovarian cancer syndrome (HBOC); Hereditary breast and ovarian cancer syndrome; Hereditary breast and ovarian cancer; Breast and ovarian cancer. Identifiers: Orphanet 145, MedGen C0677776, MeSH D061325, MONDO:0003582. Disease mechanism: loss of function.

Submissions 1 to 9 of 24:

Medical and Scientific Branch, Hong Kong Genome Institute
Classification: Likely pathogenic for Familial cancer of breast. Last evaluated: 2026-01-26. Review status: criteria provided, single submitter. Criteria: ACMG Guidelines, 2015. Collection method: clinical testing. Allele origin: unknown. Affected: yes.

Labcorp Genetics (formerly Invitae), Labcorp
Classification: Pathogenic for Ataxia-telangiectasia syndrome. Last evaluated: 2026-01-20. Review status: criteria provided, single submitter. Criteria: Invitae Variant Classification Sherloc (09022015). Collection method: clinical testing. Allele origin: germline.
Comment: This sequence change creates a premature translational stop signal (p.Ile2629Serfs*25) in the ATM gene. It is expected to result in an absent or disrupted protein product. Loss-of-function variants in ATM are known to be pathogenic (PMID: 23807571, 25614872). The frequency data for this variant in the population databases is considered unreliable, as metrics indicate poor data quality at this position in the gnomAD database. This premature translational stop signal has been observed in individuals with ataxia-telangiectasia and breast cancer and/or ovarian cancer (PMID: 8845835, 9600235, 12815592, 21787400, 23322442, 23946315, 26436112). This variant is also known as 7883del5, 7884_7888del5, c.7878_7882delTTATA and c.7886_7890del. ClinVar contains an entry for this variant (Variation ID: 230200). For these reasons, this variant has been classified as Pathogenic.

Hema, HEMA – Genetic and Molecular Diagnostic Laboratory
Classification: Pathogenic for ATM-related cancer predisposition. Last evaluated: 2025-12-12. Review status: criteria provided, single submitter. Criteria: HEMA Variant Classification Assertion Criteria. Collection method: clinical testing. Allele origin: germline.
Comment: The c.7886_7890del variant is a five-nucleotide deletion that results in a frameshift in ATM. PVS1: Null variant (frameshift) in a gene for which loss of function is a known disease mechanism. It is a frameshift variant that introduces a premature stop codon in exon 54/63, which is predicted to lead to nonsense-mediated decay (NMD) of the transcript. PM3_VeryStrong: The variant has been reported in the heterozygous state in combination with pathogenic or likely pathogenic variants in ATM in at least 3 individuals with confirmed ataxia-telangiectasia in trans (PMID: 23946315, 9600235, 15039971), 2 homozygotes (PMID: 23322442, 9443866), and 3 individuals with unknown phase (PMID: 21459046, 9711876, 12815592). PP1: The variant cosegregated with ataxia-telangiectasia in an affected individual (PMID: 23946315).

Natera, Inc.
Classification: Pathogenic for Ataxia-telangiectasia. Last evaluated: 2025-07-10. Review status: criteria provided, single submitter. Criteria: Natera Variant Classification Schema (03/2026). Collection method: clinical testing. Allele origin: germline.
Comment: The c.7886_7890delTATTA variant in ATM is a frameshift variant predicted to shift the reading frame beginning at codon 2629 and leads to a stop codon 25 codons downstream. This variant is expected to result in nonsense mediated decay, truncation, or a dysfunctional protein product. This variant is rare in the general population with a frequency below the threshold expected for the associated phenotype(s). This variant has been observed in one or more individuals affected with the associated recessive disease, as either homozygous or compound heterozygous with a second variant (PMID: 23322442, 9600235). Given the available evidence, this variant is classified as Pathogenic.

Dasa
Classification: Pathogenic for ATM-related cancer predisposition. Last evaluated: 2025-05-20. Review status: criteria provided, single submitter. Criteria: DASA Assertion Criteria. Collection method: clinical testing. Allele origin: germline.
Comment: NM_000051.4(ATM):c.7886_7890del (p.Ile2629Serfs*25) is a frameshift variant in ATM predicted to alter the reading frame and introduce a premature termination codon and is predicted to result in an absent or altered protein product. Loss of function is an established disease mechanism for ATM (PMID: 3574400; PMID: 27595995; PMID: 15928302). The affected residue or protein region has prior evidence supporting clinical relevance. This variant has been reported in individuals with ATM-related cancer predisposition (PMID: 23946315). Also, this variant is rare in population databases. Based on the currently available evidence, this variant is classified as pathogenic.

Ambry Genetics
Classification: Pathogenic for Hereditary cancer-predisposing syndrome. Last evaluated: 2025-01-03. Review status: criteria provided, single submitter. Criteria: Ambry Variant Classification Scheme 2023. Collection method: clinical testing. Allele origin: germline.
Comment: The c.7886_7890delTATTA pathogenic mutation, located in coding exon 52 of the ATM gene, results from a deletion of 5 nucleotides at nucleotide positions 7886 to 7890, causing a translational frameshift with a predicted alternate stop codon (p.I2629Sfs*25). This pathogenic mutation has been reported in a family with two cases of breast cancer under age 50 and one individual with ataxia-telangiectasia (Goldgar DE et al. Breast Cancer Res. 2011 Jul;13:R73). This mutation has also been reported in a compound heterozygous state with another alteration in ATM [c.6154G>A (p.E2052K)] in an individual with cervical dopa-responsive dystonia (DRD) (Charlesworth G et al. Neurology. 2013 Sep;81:1148-51). This alteration has been detected in 1/4112 breast cancer patients and 0/2399 healthy control individuals across numerous studies (Tavtigian S et al. Am. J. Hum. Genet. 2009 Oct;85:427-46). This alteration was also observed with an allele frequency of 0.00071 in 7,051 unselected female breast cancer patients and was observed with an allele frequency of 0.00018 in 11,241 female controls of Japanese ancestry. In addition, it was observed with an allele frequency of 0.0000 in 53 unselected male breast cancer patients and was observed with an allele frequency of 0.0002 in 12,490 male controls of Japanese ancestry (Momozawa Y et al. Nat Commun, 2018 10;9:4083). In addition to the clinical data presented in the literature, this alteration is expected to result in loss of function by premature protein truncation or nonsense-mediated mRNA decay. As such, this alteration is interpreted as a disease-causing mutation.

Color Diagnostics, LLC DBA Color Health
Classification: Pathogenic for Hereditary cancer-predisposing syndrome. Last evaluated: 2024-03-18. Review status: criteria provided, single submitter. Criteria: ACMG Guidelines, 2015. Collection method: clinical testing. Allele origin: germline.
Comment: This variant deletes 5 nucleotides in exon 53 of the ATM gene, creating a frameshift and premature translation stop signal. This variant is expected to result in an absent or non-functional protein product. This variant (also known as 7883del5, 7884_7888del5, or c.7878_7882delTTATA in the literature) has been reported in the homozygous or compound heterozygous state with an additional pathogenic ATM variant in individuals affected with ataxia-telangiectasia (PMID: 8845835, 9600235, 12815592, 23322442, 23946315). This variant has also been reported in individuals affected with breast cancer (PMID: 21787400, 26436112, 30287823, 33471991) or pancreatic ductal adenocarcinoma (PMID: 34506673). This variant has been identified in 1/250834 chromosomes in the general population by the Genome Aggregation Database (gnomAD). Loss of ATM function is a known mechanism of disease. Based on the available evidence, this variant is classified as Pathogenic.

Baylor Genetics
Classification: Pathogenic for Familial cancer of breast. Last evaluated: 2024-02-22. Review status: criteria provided, single submitter. Criteria: ACMG Guidelines, 2015. Collection method: clinical testing. Allele origin: unknown.

Myriad Genetics, Inc.
Classification: Pathogenic for Familial cancer of breast. Last evaluated: 2024-02-01. Review status: criteria provided, single submitter. Criteria: Myriad Autosomal Dominant, Autosomal Recessive and X-Linked Classification Criteria (2023). Collection method: clinical testing. Allele origin: unknown.
Comment: This variant is considered pathogenic. This variant creates a frameshift predicted to result in premature protein truncation.